The following is an entry in ClinVar:

NM_017534.6(MYH2):c.5192A>T (p.Asn1731Ile)

Genes: MYH2 (myosin heavy chain 2; minus strand), MYHAS (myosin heavy chain gene cluster antisense RNA; plus strand). Cytogenetic location: 17p13.1.
Variant type: single nucleotide variant.
Coding change: c.5192A>T on transcript NM_017534.6 (MANE Select); coding-DNA position 5192, A replaced by T.
Protein change: p.Asn1731Ile; replaces asparagine 1731 with isoleucine.
Molecular consequence: missense variant.
Genome position (GRCh38, 1-based): chr17:10,523,868, T>A on the plus strand (A>T on the coding strand, the complement: MYH2 is on the minus strand). VCF-style: chr17-10523868-T-A. GRCh37 (hg19) VCF-style: chr17-10427185-T-A.
Other names: c.5192A>T, p.Asn1731Ile (NM_001100112.2); short protein forms N1731I.
Identifiers: ClinVar variation 4744021 (VCV004744021.1).

ClinVar aggregate classification (germline): Uncertain significance (1 of 4 stars; one submission).

Conditions:
Myopathy, proximal, and ophthalmoplegia (CMYO6). Also called: INCLUSION BODY MYOPATHY 3, AUTOSOMAL DOMINANT; CONGENITAL MYOPATHY 6 WITH OPHTHALMOPLEGIA; MYOPATHY WITH CONGENITAL JOINT CONTRACTURES, OPHTHALMOPLEGIA, AND RIMMED VACUOLES. Identifiers: Orphanet 363677, Orphanet 79091, MedGen C1854106, MONDO:0011577, OMIM 605637.

Submission:

Labcorp Genetics (formerly Invitae), Labcorp
Classification: Uncertain significance for Myopathy, proximal, and ophthalmoplegia. Last evaluated: 2025-09-30. Review status: criteria provided, single submitter. Criteria: Invitae Variant Classification Sherloc (09022015). Collection method: clinical testing. Allele origin: germline.
Comment: This sequence change replaces asparagine, which is neutral and polar, with isoleucine, which is neutral and non-polar, at codon 1731 of the MYH2 protein (p.Asn1731Ile). This variant is not present in population databases (gnomAD no frequency). This variant has not been reported in the literature in individuals affected with MYH2-related conditions. Invitae Evidence Modeling of protein sequence and biophysical properties (such as structural, functional, and spatial information, amino acid conservation, physicochemical variation, residue mobility, and thermodynamic stability) indicates that this missense variant is expected to disrupt MYH2 protein function with a positive predictive value of 80%. In summary, the available evidence is currently insufficient to determine the role of this variant in disease. Therefore, it has been classified as a Variant of Uncertain Significance.